The following is an entry in ClinVar:

NM_006063.3(KLHL41):c.468dup (p.Phe157fs)

Gene: KLHL41 (kelch like family member 41; plus strand). Cytogenetic location: 2q31.1.
Variant type: Duplication.
Coding change: c.468dup on transcript NM_006063.3 (MANE Select); coding-DNA position 468, one base duplicated (A; older notation c.468dupA).
Protein change: p.Phe157fs; shifts the reading frame from phenylalanine 157.
Molecular consequence: frameshift variant.
Genome position (GRCh38, 1-based): chr2:169,510,246, A duplicated; the last of 2 consecutive A bases (chr2:169,510,245-169,510,246); duplicating either gives the same sequence. VCF-style (leftmost placement, unchanged base first): chr2-169510244-G-GA. GRCh37 (hg19) VCF-style: chr2-170366754-G-GA.
Other names: short protein forms F157fs.
Identifiers: ClinVar variation 2065093 (VCV002065093.4), dbSNP rs2468055198, ClinGen allele CA2580064477.

ClinVar aggregate classification (germline): Pathogenic (1 of 4 stars; one submission).

Conditions:
Nemaline myopathy 9 (NEM9). Identifiers: MedGen C3810384, MONDO:0014326, OMIM 615731.

Submission:

Labcorp Genetics (formerly Invitae), Labcorp
Classification: Pathogenic for Nemaline myopathy 9. Last evaluated: 2024-02-23. Review status: criteria provided, single submitter. Criteria: Invitae Variant Classification Sherloc (09022015). Collection method: clinical testing. Allele origin: germline.
Comment: This sequence change creates a premature translational stop signal (p.Phe157Ilefs*4) in the KLHL41 gene. It is expected to result in an absent or disrupted protein product. Loss-of-function variants in KLHL41 are known to be pathogenic (PMID: 24268659). This variant is not present in population databases (gnomAD no frequency). This variant has not been reported in the literature in individuals affected with KLHL41-related conditions. ClinVar contains an entry for this variant (Variation ID: 2065093). For these reasons, this variant has been classified as Pathogenic.

Literature cited by the submitters: PubMed 24268659.